The following is an entry in ClinVar:

ClinVar aggregate classification (germline): Uncertain significance. Review status: criteria provided, multiple submitters, no conflicts (2 of 4 stars). 2 submissions from 2 submitters: Uncertain significance (2). Last evaluated 2023-09-22.

Conditions:
Aortic valve disease 2 (AOVD2). Identifiers: MedGen C3542024, MONDO:0013902, OMIM 614823.
Inborn genetic diseases. Identifiers: MedGen C0950123, MeSH D030342.

Allele frequency attached by ClinVar (database versions not stated): gnomAD exomes below 0.00001; TOPMed below 0.00001; gnomAD 0.00001.
gnomAD v4.1: 5 of 1,221,620 alleles (0.00041%); highest among the groups gnomAD compares: Non-Finnish European, 0.00051%; no homozygotes.

Submissions (2):

Labcorp Genetics (formerly Invitae), Labcorp
Classification: Uncertain significance for Aortic valve disease 2. Last evaluated: 2023-09-22. Review status: criteria provided, single submitter. Criteria: Invitae Variant Classification Sherloc (09022015). Collection method: clinical testing. Allele origin: germline.
Comment: This variant has not been reported in the literature in individuals affected with SMAD6-related conditions. In summary, the available evidence is currently insufficient to determine the role of this variant in disease. Therefore, it has been classified as a Variant of Uncertain Significance. An algorithm developed to predict the effect of missense changes on protein structure and function (PolyPhen-2) suggests that this variant is likely to be tolerated. ClinVar contains an entry for this variant (Variation ID: 660711). This variant is not present in population databases (gnomAD no frequency). This sequence change replaces methionine, which is neutral and non-polar, with isoleucine, which is neutral and non-polar, at codon 93 of the SMAD6 protein (p.Met93Ile).

Ambry Genetics
Classification: Uncertain significance for Inborn genetic diseases. Last evaluated: 2021-09-07. Review status: criteria provided, single submitter. Criteria: Ambry Variant Classification Scheme 2023. Collection method: clinical testing. Allele origin: germline.
Comment: The p.M93I variant (also known as c.279G>A), located in coding exon 1 of the SMAD6 gene, results from a G to A substitution at nucleotide position 279. The methionine at codon 93 is replaced by isoleucine, an amino acid with highly similar properties. This amino acid position is conserved. In addition, this alteration is predicted to be tolerated by in silico analysis. Since supporting evidence is limited at this time, the clinical significance of this alteration remains unclear.

NM_005585.5(SMAD6):c.279G>A (p.Met93Ile)

Gene: SMAD6 (SMAD family member 6; plus strand). Cytogenetic location: 15q22.31.
Variant type: single nucleotide variant.
Coding change: c.279G>A on transcript NM_005585.5 (MANE Select); coding-DNA position 279, G replaced by A.
Protein change: p.Met93Ile; replaces methionine 93 with isoleucine.
Molecular consequence: missense variant. On other transcripts: non-coding transcript variant (1).
Genome position (GRCh38, 1-based): chr15:66,703,537, G>A. VCF-style: chr15-66703537-G-A. GRCh37 (hg19) VCF-style: chr15-66995875-G-A.
Other names: short protein forms M93I.
Identifiers: ClinVar variation 660711 (VCV000660711.10), dbSNP rs1595756752, ClinGen allele CA392949147.